The following is an entry in ClinVar:

ClinVar aggregate classification (germline): Likely pathogenic (1 of 4 stars; one submission).

Submission:

Dasa
Classification: Likely pathogenic. Last evaluated: 2026-02-03. Review status: criteria provided, single submitter. Criteria: DASA Assertion Criteria. Collection method: clinical testing. Allele origin: germline.
Comment: NM_003590.5(CUL3):c.2207del (p.Pro736Glnfs*32) is a frameshift variant in CUL3 predicted to alter the reading frame and introduce a premature termination codon and is predicted to result in an absent or altered protein product. Loss of function is an established disease mechanism for CUL3-associated disorders. Also, this variant is rare in population databases. Based on the currently available evidence, this variant is classified as likely pathogenic.

NM_003590.5(CUL3):c.2207del (p.Pro736fs)

Gene: CUL3 (cullin 3; minus strand). Cytogenetic location: 2q36.2.
Variant type: Deletion.
Coding change: c.2207del on transcript NM_003590.5 (MANE Select); coding-DNA position 2207, one base deleted (C; older notation c.2207delC).
Protein change: p.Pro736fs; shifts the reading frame from proline 736.
Molecular consequence: frameshift variant.
Genome position (GRCh38, 1-based): chr2:224,474,345, G deleted on the plus strand (C on the coding strand, the reverse complement: CUL3 is on the minus strand); the first of 2 consecutive G bases (chr2:224,474,345-224,474,346); deleting either gives the same sequence. VCF-style (leftmost placement, unchanged base first): chr2-224474344-TG-T. GRCh37 (hg19) VCF-style: chr2-225339061-TG-T.
Other names: c.2009del, p.Pro670fs (NM_001257197.2); c.2225del, p.Pro742fs (NM_001257198.2); short protein forms P670fs, P736fs, P742fs.
Identifiers: ClinVar variation 4886463 (VCV004886463.2).
Genomic context (GRCh38, chr2:224,474,344, plus strand): 5'-TCGTGCCAAATATTCTCTCTCAATAAGTCCTTCAATACGTTTCTTAATAACAACTGGACT[TG>T]GTAAGAATCGCGCCTTCAACTGCTGAGTTACCTAAAAAAGAAAGTAGATAGTATTTTTAT-3'